The following is an entry in ClinVar:

NM_001370259.2(MEN1):c.-22C>A

Gene: MEN1 (menin 1; minus strand). Cytogenetic location: 11q13.1.
Variant type: single nucleotide variant.
Coding change: c.-22C>A on transcript NM_001370259.2 (MANE Select); 22 bases upstream of the start codon, C replaced by A.
Molecular consequence: 5 prime UTR variant.
Genome position (GRCh38, 1-based): chr11:64,810,131, G>T on the plus strand (C>A on the coding strand, the complement: MEN1 is on the minus strand). VCF-style: chr11-64810131-G-T. GRCh37 (hg19) VCF-style: chr11-64577603-G-T.
Other names: c.-22C>A (NM_000244.4, NM_001370251.2, NM_001370260.2 and 9 more transcripts).
Identifiers: ClinVar variation 241793 (VCV000241793.66), dbSNP rs374749001, ClinGen allele CA061014.
Genomic context (GRCh38, chr11:64,810,131, plus strand): 5'-CAGCGGGAACAGCGTCTTCTGGGCGGCCTTCAGCCCCATGGCGGCGGGCGGTGGGCGGCG[G>T]CCTGCAAGGCAAGCCGGGGGAGGGAGGGTCGGGCAGGTTCGGCCGGGGAGCCTCCTCCCA-3'

ClinVar aggregate classification (germline): Conflicting classifications of pathogenicity. Review status: criteria provided, conflicting classifications (1 of 4 stars). 11 submissions from 11 submitters: Uncertain significance (1); Benign (2); Likely benign (7). 1 of the submissions does not count toward it. Last evaluated 2026-01-01.

Conditions:
Hereditary cancer-predisposing syndrome. Also called: Tumor predisposition; Hereditary Cancer Syndrome; Neoplastic Syndromes, Hereditary; Hereditary neoplastic syndrome. Identifiers: Orphanet 140162, MedGen C0027672, MeSH D009386, MONDO:0015356.
Multiple endocrine neoplasia, type 1 (MEN1). Also called: Endocrine adenomatosis multiple; MEN 1; MEN I; WERMER SYNDROME; MEA I. Identifiers: Orphanet 652, MedGen C0025267, MeSH D018761, MONDO:0007540, OMIM 131100.
MEN1-related disorder. Also called: MEN1-related condition.

Allele frequency attached by ClinVar (database versions not stated): 1000 Genomes Project 0.00020; 1000 Genomes Project 30x 0.00047; ESP Exome Variant Server 0.00063; gnomAD exomes 0.00065 and 0.00169; gnomAD 0.00070 and 0.00073; ExAC 0.00101.

Submissions (11):

CeGaT Center for Human Genetics Tuebingen
Classification: Likely benign. Last evaluated: 2026-01-01. Review status: criteria provided, single submitter. Criteria: CeGaT Center For Human Genetics Tuebingen Variant Classification Criteria Version 2. Collection method: clinical testing. Allele origin: germline. Affected: yes. Observed: 9 variant alleles.
Comment: MEN1: BS1

Labcorp Genetics (formerly Invitae), Labcorp
Classification: Benign for Multiple endocrine neoplasia, type 1. Last evaluated: 2025-11-17. Review status: criteria provided, single submitter. Criteria: Invitae Variant Classification Sherloc (09022015). Collection method: clinical testing. Allele origin: germline.

Center for Genomic Medicine, Rigshospitalet, Copenhagen University Hospital
Classification: Likely benign. Last evaluated: 2025-03-04. Review status: criteria provided, single submitter. Criteria: ACMG Guidelines, 2015. Collection method: clinical testing. Allele origin: germline.

Laboratory of Genetics, Children's Clinical University Hospital Latvia
Classification: Likely benign. Last evaluated: 2025-02-16. Review status: criteria provided, single submitter. Criteria: ACMG Guidelines, 2015. Collection method: clinical testing. Allele origin: germline. Affected: yes.

Blueprint Genetics
Classification: Likely benign. Last evaluated: 2024-11-20. Review status: criteria provided, single submitter. Criteria: ACMG Guidelines, 2015. Collection method: clinical testing. Allele origin: germline.

ARUP Laboratories, Molecular Genetics and Genomics, ARUP Laboratories
Classification: Likely benign. Last evaluated: 2024-10-10. Review status: criteria provided, single submitter. Criteria: ARUP Molecular Germline Variant Investigation Process 2024. Collection method: clinical testing. Allele origin: germline.

Mendelics
Classification: Benign for Multiple endocrine neoplasia, type 1. Last evaluated: 2023-08-22. Review status: criteria provided, single submitter. Criteria: Mendelics Assertion Criteria 2019. Collection method: clinical testing. Allele origin: germline.

Sema4
Classification: Likely benign for Hereditary cancer-predisposing syndrome. Last evaluated: 2021-04-30. Review status: criteria provided, single submitter. Criteria: Sema4 Curation Guidelines. Collection method: curation. Allele origin: germline.

GeneDx
Classification: Likely benign. Last evaluated: 2017-09-27. Review status: criteria provided, single submitter. Criteria: GeneDx Variant Classification (06012015). Collection method: clinical testing. Allele origin: germline. Affected: yes.
Comment: This variant is considered likely benign or benign based on one or more of the following criteria: it is a conservative change, it occurs at a poorly conserved position in the protein, it is predicted to be benign by multiple in silico algorithms, and/or has population frequency not consistent with disease.

Laboratory for Molecular Medicine, Mass General Brigham Personalized Medicine
Classification: Uncertain significance. Last evaluated: 2017-01-25. Review status: criteria provided, single submitter. Criteria: LMM Criteria. Collection method: clinical testing. Allele origin: germline.
Comment: Variant identified in a genome or exome case(s) and assessed due to predicted null impact of the variant or pathogenic assertions in the literature or databases. Disclaimer: This variant has not undergone full assessment. The following are preliminary notes: This variant is present in HGMD in 2 papers. It was seen in a proband with medullary thyroid carcinoma but was found in unaffected relatives. It is present in ExAC with a Max MAF of 0.03% (35/114960 European chrs). It is classified in ClinVar with 1 star as VUS by Invitae, CSER_CC_NCGL, and ARUP. 14 non-mammals have a Lys at this position.

PreventionGenetics, part of Exact Sciences
Classification: Likely benign for MEN1-related condition. Last evaluated: 2020-03-03. Review status: no assertion criteria provided. Collection method: clinical testing. Allele origin: germline. Not counted in ClinVar's aggregate classification.
Comment: This variant is classified as likely benign based on ACMG/AMP sequence variant interpretation guidelines (Richards et al. 2015 PMID: 25741868, with internal and published modifications).